The following is an entry in ClinVar:

NM_153676.4(USH1C):c.2590C>T (p.Arg864Ter)

Gene: USH1C (USH1 protein network component harmonin; minus strand). Cytogenetic location: 11p15.1.
Variant type: single nucleotide variant.
Coding change: c.2590C>T on transcript NM_153676.4 (MANE Select); coding-DNA position 2590, C replaced by T.
Protein change: p.Arg864Ter; replaces arginine 864 with a stop codon.
Molecular consequence: nonsense. On other transcripts: intron variant (2).
Genome position (GRCh38, 1-based): chr11:17,495,634, G>A on the plus strand (C>T on the coding strand, the complement: USH1C is on the minus strand). VCF-style: chr11-17495634-G-A. GRCh37 (hg19) VCF-style: chr11-17517181-G-A.
Other names: c.1589+1124C>T (NM_001297764.2); c.1646+1124C>T (NM_005709.4); short protein forms R864*.
Identifiers: ClinVar variation 451345 (VCV000451345.18), dbSNP rs767767573, ClinGen allele CA5904083.
Genomic context (GRCh38, chr11:17,495,634, plus strand): 5'-GCTCCAGCTGCAGGAGGAACCCGTGTCTGTGCACGGCAGCACGGTCTTCAAGGAGCTTTC[G>A]GACCGGTTGGGGGCTTTCAGCTACGGAGGAGGGAAGAGAAGCTCTATATATACAGAGCAG-3'

ClinVar aggregate classification (germline): Conflicting classifications of pathogenicity. Review status: criteria provided, conflicting classifications (1 of 4 stars). 6 submissions from 6 submitters: Uncertain significance (4); Likely benign (1). 1 of the submissions does not count toward it. Last evaluated 2025-09-10.

Conditions:
Autosomal recessive nonsyndromic hearing loss 18A. Also called: DEAFNESS, AUTOSOMAL RECESSIVE 18; Deafness, autosomal recessive 18A. Identifiers: Orphanet 90636, MedGen C1865870, MONDO:0011192, OMIM 602092.
Usher syndrome type 1C. Also called: USHER SYNDROME, TYPE I, ACADIAN VARIETY. Identifiers: Orphanet 231169, Orphanet 886, MedGen C1848604, MONDO:0010171, OMIM 276904.

Allele frequency attached by ClinVar (database versions not stated): ExAC 0.00006; gnomAD 0.00007 and 0.00008; gnomAD exomes 0.00009 and 0.00017; TOPMed 0.00010.

Submissions (6):

Genomic Medicine Center of Excellence, King Faisal Specialist Hospital and Research Centre
Classification: Uncertain significance for Usher syndrome type 1C. Last evaluated: 2025-09-10. Review status: criteria provided, single submitter. Criteria: ACMG Guidelines, 2015. Collection method: clinical testing. Allele origin: germline.

Blueprint Genetics
Classification: Uncertain significance. Last evaluated: 2024-09-04. Review status: criteria provided, single submitter. Criteria: ACMG Guidelines, 2015. Collection method: clinical testing. Allele origin: germline.

GeneDx
Classification: Uncertain significance. Last evaluated: 2019-12-02. Review status: criteria provided, single submitter. Criteria: GeneDx Variant Classification Process June 2021. Collection method: clinical testing. Allele origin: germline. Affected: yes.
Comment: Nonsense variant predicted to result in protein truncation or nonsense mediated decay in a gene for which loss-of-function is not a known mechanism of disease; Has not been previously published as pathogenic or benign to our knowledge

Labcorp Genetics (formerly Invitae), Labcorp
Classification: Likely benign. Last evaluated: 2018-09-11. Review status: criteria provided, single submitter. Criteria: Invitae Variant Classification Sherloc (09022015). Collection method: clinical testing. Allele origin: germline.

Juno Genomics, Hangzhou Juno Genomics, Inc
Classification: Uncertain significance for Autosomal recessive nonsyndromic hearing loss 18A; Usher syndrome type 1C. Review status: criteria provided, single submitter. Criteria: ACMG Guidelines, 2015. Collection method: clinical testing. Allele origin: germline.
Comment: Absent from controls (or at extremely low frequency if recessive) in Genome Aggregation Database.

Counsyl
Classification: Likely benign for Usher syndrome type 1C; Autosomal recessive nonsyndromic hearing loss 18A. Last evaluated: 2016-12-23. Review status: no assertion criteria provided. Collection method: clinical testing. Allele origin: unknown. Not counted in ClinVar's aggregate classification.